The following is an entry in ClinVar:

ClinVar aggregate classification (germline): Likely pathogenic (1 of 4 stars; one submission).

Allele frequency attached by ClinVar (database versions not stated): gnomAD exomes below 0.00001; ExAC 0.00001.
gnomAD v4.1: 2 of 1,613,474 alleles (0.00012%); highest among the groups gnomAD compares: Admixed American, 0.0033%; no homozygotes.

Submission:

Labcorp Genetics (formerly Invitae), Labcorp
Classification: Likely pathogenic. Last evaluated: 2022-08-05. Review status: criteria provided, single submitter. Criteria: Invitae Variant Classification Sherloc (09022015). Collection method: clinical testing. Allele origin: germline.
Comment: This sequence change replaces alanine, which is neutral and non-polar, with threonine, which is neutral and polar, at codon 40 of the GJB2 protein (p.Ala40Thr). This variant is present in population databases (rs764693395, gnomAD 0.006%). This variant has not been reported in the literature in individuals affected with GJB2-related conditions. Advanced modeling of protein sequence and biophysical properties (such as structural, functional, and spatial information, amino acid conservation, physicochemical variation, residue mobility, and thermodynamic stability) performed at Invitae indicates that this missense variant is expected to disrupt GJB2 protein function. This variant disrupts the p.Ala40 amino acid residue in GJB2. Other variant(s) that disrupt this residue have been determined to be pathogenic (PMID: 15337980, 17428836, 20584891). This suggests that this residue is clinically significant, and that variants that disrupt this residue are likely to be disease-causing. In summary, the currently available evidence indicates that the variant is pathogenic, but additional data are needed to prove that conclusively. Therefore, this variant has been classified as Likely Pathogenic.

Literature cited by the submitters: PubMed 15337980; PubMed 17428836; PubMed 20584891.

NM_004004.6(GJB2):c.118G>A (p.Ala40Thr)

Gene: GJB2 (gap junction protein beta 2; minus strand). Cytogenetic location: 13q12.11.
Variant type: single nucleotide variant.
Coding change: c.118G>A on transcript NM_004004.6 (MANE Select); coding-DNA position 118, G replaced by A.
Protein change: p.Ala40Thr; replaces alanine 40 with threonine.
Molecular consequence: missense variant.
Genome position (GRCh38, 1-based): chr13:20,189,464, C>T on the plus strand (G>A on the coding strand, the complement: GJB2 is on the minus strand). VCF-style: chr13-20189464-C-T. GRCh37 (hg19) VCF-style: chr13-20763603-C-T.
Other names: short protein forms A40T.
Identifiers: ClinVar variation 1955136 (VCV001955136.2), dbSNP rs764693395, ClinGen allele CA6904316.